The following is an entry in ClinVar:

NM_020737.3(LRFN2):c.783C>T (p.Asp261=)

Gene: LRFN2 (leucine rich repeat and fibronectin type III domain containing 2; minus strand). Cytogenetic location: 6p21.2.
Variant type: single nucleotide variant.
Coding change: c.783C>T on transcript NM_020737.3 (MANE Select); coding-DNA position 783, C replaced by T.
Protein change: p.Asp261=; no amino-acid change (aspartic acid 261 retained).
Molecular consequence: synonymous variant.
Genome position (GRCh38, 1-based): chr6:40,432,331, G>A on the plus strand (C>T on the coding strand, the complement: LRFN2 is on the minus strand). VCF-style: chr6-40432331-G-A. GRCh37 (hg19) VCF-style: chr6-40400070-G-A.
Identifiers: ClinVar variation 3904837 (VCV003904837.10).
Genomic context (GRCh38, chr6:40,432,331, plus strand): 5'-CTCACGCACATGCCAGAAGTAGCGACCCTTGAGGCCCCCTGGGGAGCCACAGGTTTCCAG[G>A]TCATCGTCCCGCTCGAGCCTCCGCAGCCAGAGAAGCTCACAATTGCAGTGAAGTGGGTTA-3'
Protein context (NP_065788.1, residues 251-271): LWLRRLERDD[Asp261=]LETCGSPGGL

ClinVar aggregate classification (germline): Benign (1 of 4 stars; one submission).

gnomAD v4.1: 18,122 of 1,614,130 alleles (1.1%); highest among the groups gnomAD compares: Non-Finnish European, 1.3%; 124 homozygotes.

Submission:

CeGaT Center for Human Genetics Tuebingen
Classification: Benign. Last evaluated: 2025-06-01. Review status: criteria provided, single submitter. Criteria: CeGaT Center For Human Genetics Tuebingen Variant Classification Criteria Version 2. Collection method: clinical testing. Allele origin: germline. Affected: yes. Observed: 1 variant allele.
Comment: LRFN2: BP4, BS1, BS2